The following is an entry in ClinVar:

NM_000379.4(XDH):c.3163C>G (p.Leu1055Val)

Gene: XDH (xanthine dehydrogenase; minus strand). Cytogenetic location: 2p23.1.
Variant type: single nucleotide variant.
Coding change: c.3163C>G on transcript NM_000379.4 (MANE Select); coding-DNA position 3163, C replaced by G.
Protein change: p.Leu1055Val; replaces leucine 1055 with valine.
Molecular consequence: missense variant.
Genome position (GRCh38, 1-based): chr2:31,347,635, G>C on the plus strand (C>G on the coding strand, the complement: XDH is on the minus strand). VCF-style: chr2-31347635-G-C. GRCh37 (hg19) VCF-style: chr2-31570501-G-C.
Other names: p.Leu1055Val; c.3163C>G (NM_000379.3); short protein forms L1055V.
Identifiers: ClinVar variation 1400312 (VCV001400312.8), dbSNP rs756000543, ClinGen allele CA1598507.

ClinVar aggregate classification (germline): Conflicting classifications of pathogenicity. Review status: criteria provided, conflicting classifications (1 of 4 stars). 4 submissions from 4 submitters: Uncertain significance (3); Likely benign (1). Last evaluated 2026-05-01.

Conditions:
Xanthinuria type II. Also called: Xanthine dehydrogenase and aldehyde oxidase combined deficiency of; XDH and AOX dual deficiency. Identifiers: Orphanet 3467, Orphanet 93602, MedGen C1863688, MONDO:0011346, OMIM 603592.
XDH-related disorder. Also called: XDH-related condition.
Hereditary xanthinuria type 1 (XAN1). Identifiers: Orphanet 3467, Orphanet 93601, MedGen C0268118, MONDO:0010209, OMIM 278300.

Allele frequency attached by ClinVar (database versions not stated): gnomAD 0.00002; TOPMed 0.00009; gnomAD exomes 0.00010 and 0.00021; ExAC 0.00018.
gnomAD v4.1: 63 of 1,613,924 alleles (0.0039%); highest among the groups gnomAD compares: Admixed American, 0.1%; 1 homozygote.

Submissions (4):

PreventionGenetics, part of Exact Sciences
Classification: Likely benign for XDH-related condition. Last evaluated: 2026-05-01. Review status: criteria provided, single submitter. Criteria: ACMG Guidelines, 2015. Collection method: clinical testing. Allele origin: germline.
Comment: This variant is classified as likely benign based on ACMG/AMP sequence variant interpretation guidelines (Richards et al. 2015 PMID: 25741868, with internal and published modifications).

Mayo Clinic Laboratories, Mayo Clinic
Classification: Uncertain significance. Last evaluated: 2024-06-12. Review status: criteria provided, single submitter. Criteria: ACMG Guidelines, 2015. Collection method: clinical testing. Allele origin: germline. Observed: 1 variant allele.
Comment: PP3

Labcorp Genetics (formerly Invitae), Labcorp
Classification: Uncertain significance for Xanthinuria type II. Last evaluated: 2022-10-19. Review status: criteria provided, single submitter. Criteria: Invitae Variant Classification Sherloc (09022015). Collection method: clinical testing. Allele origin: germline.
Comment: This sequence change replaces leucine, which is neutral and non-polar, with valine, which is neutral and non-polar, at codon 1055 of the XDH protein (p.Leu1055Val). This variant is present in population databases (rs756000543, gnomAD 0.1%). This variant has not been reported in the literature in individuals affected with XDH-related conditions. ClinVar contains an entry for this variant (Variation ID: 1400312). Algorithms developed to predict the effect of missense changes on protein structure and function (SIFT, PolyPhen-2, Align-GVGD) all suggest that this variant is likely to be disruptive. In summary, the available evidence is currently insufficient to determine the role of this variant in disease. Therefore, it has been classified as a Variant of Uncertain Significance.

Fulgent Genetics
Classification: Uncertain significance for Hereditary xanthinuria type 1. Last evaluated: 2022-02-04. Review status: criteria provided, single submitter. Criteria: ACMG Guidelines, 2015. Collection method: clinical testing. Allele origin: unknown.